The following is an entry in ClinVar:

ClinVar aggregate classification (germline): Pathogenic/Likely pathogenic. Review status: criteria provided, multiple submitters, no conflicts (2 of 4 stars). 2 submissions from 2 submitters: Pathogenic (1); Likely pathogenic (1). Last evaluated 2025-07-28.

Conditions:
Cortical dysplasia-focal epilepsy syndrome (PTHSL1). Also called: Pitt-Hopkins-like syndrome 1. Identifiers: Orphanet 163681, Orphanet 221150, MedGen C2750246, MONDO:0012400, OMIM 610042.

Allele frequency attached by ClinVar (database versions not stated): TOPMed below 0.00001.
gnomAD v4.1: 4 of 1,550,360 alleles (0.00026%); highest among the groups gnomAD compares: Non-Finnish European, 0.00035%; no homozygotes.

Submissions (2):

Labcorp Genetics (formerly Invitae), Labcorp
Classification: Likely pathogenic for Cortical dysplasia-focal epilepsy syndrome. Last evaluated: 2025-07-28. Review status: criteria provided, single submitter. Criteria: Invitae Variant Classification Sherloc (09022015). Collection method: clinical testing. Allele origin: germline.
Comment: This sequence change affects a donor splice site in intron 1 of the CNTNAP2 gene. It is expected to disrupt RNA splicing. Variants that disrupt the donor or acceptor splice site typically lead to a loss of protein function (PMID: 16199547), and loss-of-function variants in CNTNAP2 are known to be pathogenic (PMID: 19896112, 21827697, 25045150, 26843181, 27439707). This variant is not present in population databases (gnomAD no frequency). This variant has not been reported in the literature in individuals affected with CNTNAP2-related conditions. ClinVar contains an entry for this variant (Variation ID: 638371). Algorithms developed to predict the effect of sequence changes on RNA splicing suggest that this variant may disrupt the consensus splice site. In summary, the currently available evidence indicates that the variant is pathogenic, but additional data are needed to prove that conclusively. Therefore, this variant has been classified as Likely Pathogenic.

Genomic Research Center, Shahid Beheshti University of Medical Sciences
Classification: Pathogenic for Pitt-Hopkins-like syndrome 1. Last evaluated: 2019-04-27. Review status: criteria provided, single submitter. Criteria: ACMG Guidelines, 2015. Collection method: clinical testing. Allele origin: unknown. Affected: yes.

Literature cited by the submitters: PubMed 16199547 (cited by Labcorp Genetics (formerly Invitae), Labcorp); PubMed 19896112 (cited by Labcorp Genetics (formerly Invitae), Labcorp); PubMed 21827697 (cited by Labcorp Genetics (formerly Invitae), Labcorp); PubMed 25045150 (cited by Labcorp Genetics (formerly Invitae), Labcorp); PubMed 26843181 (cited by Labcorp Genetics (formerly Invitae), Labcorp); PubMed 27439707 (cited by Labcorp Genetics (formerly Invitae), Labcorp).

NM_014141.6(CNTNAP2):c.97+1G>A

Gene: CNTNAP2 (contactin associated protein 2; plus strand). Cytogenetic location: 7q35.
Variant type: single nucleotide variant.
Coding change: c.97+1G>A on transcript NM_014141.6 (MANE Select); the canonical splice donor site of the intron after coding-DNA position 97, G replaced by A.
Molecular consequence: splice donor variant.
Genome position (GRCh38, 1-based): chr7:146,116,974, G>A. VCF-style: chr7-146116974-G-A. GRCh37 (hg19) VCF-style: chr7-145814066-G-A.
Identifiers: ClinVar variation 638371 (VCV000638371.6), dbSNP rs972116002, ClinGen allele CA168563444.